The following is an entry in ClinVar:

NM_205836.3(FBXO38):c.2663A>G (p.Lys888Arg)

Gene: FBXO38 (F-box protein 38; plus strand). Cytogenetic location: 5q32.
Variant type: single nucleotide variant.
Coding change: c.2663A>G on transcript NM_205836.3 (MANE Select); coding-DNA position 2663, A replaced by G.
Protein change: p.Lys888Arg; replaces lysine 888 with arginine.
Molecular consequence: missense variant.
Genome position (GRCh38, 1-based): chr5:148,433,433, A>G. VCF-style: chr5-148433433-A-G. GRCh37 (hg19) VCF-style: chr5-147812996-A-G.
Other names: c.1928A>G, p.Lys643Arg (NM_001271723.2); c.2438A>G, p.Lys813Arg (NM_030793.5); short protein forms K643R, K813R, K888R.
Identifiers: ClinVar variation 3700197 (VCV003700197.2).
Genomic context (GRCh38, chr5:148,433,433, plus strand): 5'-GAAAGAAAGCAAGGCTAAAATTTGGATTTTCTTTTTTTTTGCCTTTTTTAGAAGTAGCCA[A>G]AACAAAGCCACGTCACGCCATGAAACGGAAGCGGACAGCAGATAAATCCACTAGTACAAG-3'
Protein context (NP_995308.1, residues 878-898): VLLVSESEVA[Lys888Arg]TKPRHAMKRK

ClinVar aggregate classification (germline): Uncertain significance (1 of 4 stars; one submission).

Conditions:
Distal hereditary motor neuropathy type 2. Identifiers: Orphanet 139525, MedGen C3711384, MeSH C580044, MONDO:0015352.

gnomAD v4.1: 5 of 1,611,740 alleles (0.00031%); highest among the groups gnomAD compares: Non-Finnish European, 0.00042%; no homozygotes.

Submission:

Labcorp Genetics (formerly Invitae), Labcorp
Classification: Uncertain significance for Distal hereditary motor neuropathy type 2. Last evaluated: 2024-04-29. Review status: criteria provided, single submitter. Criteria: Invitae Variant Classification Sherloc (09022015). Collection method: clinical testing. Allele origin: germline.
Comment: This sequence change replaces lysine, which is basic and polar, with arginine, which is basic and polar, at codon 813 of the FBXO38 protein (p.Lys813Arg). This variant is not present in population databases (gnomAD no frequency). This variant has not been reported in the literature in individuals affected with FBXO38-related conditions. An algorithm developed to predict the effect of missense changes on protein structure and function (PolyPhen-2) suggests that this variant is likely to be disruptive. In summary, the available evidence is currently insufficient to determine the role of this variant in disease. Therefore, it has been classified as a Variant of Uncertain Significance.